The following is an entry in ClinVar:

NM_005901.6(SMAD2):c.472G>C (p.Asp158His)

Gene: SMAD2 (SMAD family member 2; minus strand). Cytogenetic location: 18q21.1.
Variant type: single nucleotide variant.
Coding change: c.472G>C on transcript NM_005901.6 (MANE Select); coding-DNA position 472, G replaced by C.
Protein change: p.Asp158His; replaces aspartic acid 158 with histidine.
Molecular consequence: missense variant.
Genome position (GRCh38, 1-based): chr18:47,869,291, C>G on the plus strand (G>C on the coding strand, the complement: SMAD2 is on the minus strand). VCF-style: chr18-47869291-C-G. GRCh37 (hg19) VCF-style: chr18-45395662-C-G.
Other names: c.472G>C, p.Asp158His (NM_001003652.4); c.382G>C, p.Asp128His (NM_001135937.3); c.472G>C (NM_005901.4); short protein forms D128H, D158H.
Identifiers: ClinVar variation 4748927 (VCV004748927.2).

ClinVar aggregate classification (germline): Uncertain significance. Review status: criteria provided, multiple submitters, no conflicts (2 of 4 stars). 2 submissions from 2 submitters: Uncertain significance (2). Last evaluated 2026-07-03.

Conditions:
Inborn genetic diseases. Identifiers: MedGen C0950123, MeSH D030342.

Submissions (2):

Ambry Genetics
Classification: Uncertain significance for Inborn genetic diseases. Last evaluated: 2026-07-03. Review status: criteria provided, single submitter. Criteria: Ambry Variant Classification Scheme 2023. Collection method: clinical testing. Allele origin: germline.

Labcorp Genetics (formerly Invitae), Labcorp
Classification: Uncertain significance. Last evaluated: 2025-09-21. Review status: criteria provided, single submitter. Criteria: Invitae Variant Classification Sherloc (09022015). Collection method: clinical testing. Allele origin: germline.
Comment: This sequence change replaces aspartic acid, which is acidic and polar, with histidine, which is basic and polar, at codon 158 of the SMAD2 protein (p.Asp158His). This variant is not present in population databases (gnomAD no frequency). This variant has not been reported in the literature in individuals affected with SMAD2-related conditions. Invitae Evidence Modeling of protein sequence and biophysical properties (such as structural, functional, and spatial information, amino acid conservation, physicochemical variation, residue mobility, and thermodynamic stability) indicates that this missense variant is expected to disrupt SMAD2 protein function with a positive predictive value of 80%. In summary, the available evidence is currently insufficient to determine the role of this variant in disease. Therefore, it has been classified as a Variant of Uncertain Significance.